The following is an entry in ClinVar:

ClinVar aggregate classification (germline): Uncertain significance (1 of 4 stars; one submission).

Conditions:
Inborn genetic diseases. Identifiers: MedGen C0950123, MeSH D030342.

Submission:

Ambry Genetics
Classification: Uncertain significance for Inborn genetic diseases. Last evaluated: 2026-04-28. Review status: criteria provided, single submitter. Criteria: Ambry Variant Classification Scheme 2023. Collection method: clinical testing. Allele origin: germline.
Comment: The p.I931T variant (also known as c.2792T>C), located in coding exon 24 of the ANKRD26 gene, results from a T to C substitution at nucleotide position 2792. The isoleucine at codon 931 is replaced by threonine, an amino acid with similar properties. This amino acid position is conserved. In addition, this alteration is predicted to be tolerated by in silico analysis. Based on the available evidence, the clinical significance of this variant remains unclear.

NM_014915.3(ANKRD26):c.2792T>C (p.Ile931Thr)

Gene: ANKRD26 (ankyrin repeat domain 26; minus strand). Cytogenetic location: 10p12.1.
Variant type: single nucleotide variant.
Coding change: c.2792T>C on transcript NM_014915.3 (MANE Select); coding-DNA position 2792, T replaced by C.
Protein change: p.Ile931Thr; replaces isoleucine 931 with threonine.
Molecular consequence: missense variant.
Genome position (GRCh38, 1-based): chr10:27,035,658, A>G on the plus strand (T>C on the coding strand, the complement: ANKRD26 is on the minus strand). VCF-style: chr10-27035658-A-G. GRCh37 (hg19) VCF-style: chr10-27324587-A-G.
Other names: c.2789T>C, p.Ile930Thr (NM_001256053.2); short protein forms I930T, I931T.
Identifiers: ClinVar variation 4859575 (VCV004859575.1).